The following is an entry in ClinVar:

ClinVar aggregate classification (germline): Uncertain significance (1 of 4 stars; one submission).

Conditions:
Hereditary spastic paraplegia 7 (SPG7). Also called: SPASTIC PARAPLEGIA 7, AUTOSOMAL RECESSIVE, WITH OR WITHOUT CEREBELLAR ATAXIA; SPG7-related neurologic disorder; Spastic paraplegia 7; Hereditary spastic paraplegia Paraplegin type; Autosomal recessive spastic paraplegia type 7. Identifiers: Orphanet 99013, MedGen C1846564, MONDO:0011803, OMIM 607259.

gnomAD v4.1: 8 of 1,606,810 alleles (0.0005%); highest among the groups gnomAD compares: Non-Finnish European, 0.00034%; no homozygotes.

Submission:

Labcorp Genetics (formerly Invitae), Labcorp
Classification: Uncertain significance for Hereditary spastic paraplegia 7. Last evaluated: 2024-04-04. Review status: criteria provided, single submitter. Criteria: Invitae Variant Classification Sherloc (09022015). Collection method: clinical testing. Allele origin: germline.
Comment: This sequence change replaces arginine, which is basic and polar, with glycine, which is neutral and non-polar, at codon 485 of the SPG7 protein (p.Arg485Gly). This variant is present in population databases (rs758051527, gnomAD 0.004%). This missense change has been observed in individual(s) with autosomal recessive hereditary spastic paraplegia (Invitae). In at least one individual the data is consistent with being in trans (on the opposite chromosome) from a pathogenic variant. Advanced modeling of protein sequence and biophysical properties (such as structural, functional, and spatial information, amino acid conservation, physicochemical variation, residue mobility, and thermodynamic stability) performed at Invitae indicates that this missense variant is expected to disrupt SPG7 protein function with a positive predictive value of 80%. This variant disrupts the p.Arg485 amino acid residue in SPG7. Other variant(s) that disrupt this residue have been observed in individuals with SPG7-related conditions (PMID: 34256108, 35464835), which suggests that this may be a clinically significant amino acid residue. In summary, the available evidence is currently insufficient to determine the role of this variant in disease. Therefore, it has been classified as a Variant of Uncertain Significance.

Literature cited by the submitters: PubMed 34256108; PubMed 35464835.

NM_003119.4(SPG7):c.1453A>G (p.Arg485Gly)

Gene: SPG7 (SPG7 matrix AAA peptidase subunit, paraplegin; plus strand). Cytogenetic location: 16q24.3.
Variant type: single nucleotide variant.
Coding change: c.1453A>G on transcript NM_003119.4 (MANE Select); coding-DNA position 1453, A replaced by G.
Protein change: p.Arg485Gly; replaces arginine 485 with glycine.
Molecular consequence: missense variant.
Genome position (GRCh38, 1-based): chr16:89,546,661, A>G. VCF-style: chr16-89546661-A-G. GRCh37 (hg19) VCF-style: chr16-89613069-A-G.
Other names: c.1453A>G, p.Arg485Gly (NM_001363850.1); short protein forms R485G.
Identifiers: ClinVar variation 3706443 (VCV003706443.2).
Genomic context (GRCh38, chr16:89,546,661, plus strand): 5'-ACCTGTGGCAGTAACTAGGCTTGAGCCCGACTGTCTTTCCTCCCCTGGTTCTGGCAGGAG[A>G]GGCGGGAGATTTTTGAGCAGCACCTGAAGAGCCTGAAGCTGACCCAGTCCAGCACCTTTT-3'
Protein context (NP_003110.1, residues 475-495): VFIDLPTLQE[Arg485Gly]REIFEQHLKS